The following is an entry in ClinVar:

ClinVar aggregate classification (germline): Uncertain significance (1 of 4 stars; one submission).

Submission:

CeGaT Center for Human Genetics Tuebingen
Classification: Uncertain significance. Last evaluated: 2024-03-01. Review status: criteria provided, single submitter. Criteria: CeGaT Center For Human Genetics Tuebingen Variant Classification Criteria Version 2. Collection method: clinical testing. Allele origin: germline. Affected: yes. Observed: 1 variant allele.
Comment: PKD1: PM2

NM_001009944.3(PKD1):c.3001C>A (p.His1001Asn)

Gene: PKD1 (polycystin 1, transient receptor potential channel interacting; minus strand). Cytogenetic location: 16p13.3.
Variant type: single nucleotide variant.
Coding change: c.3001C>A on transcript NM_001009944.3 (MANE Select); coding-DNA position 3001, C replaced by A.
Protein change: p.His1001Asn; replaces histidine 1001 with asparagine.
Molecular consequence: missense variant.
Genome position (GRCh38, 1-based): chr16:2,112,948, G>T on the plus strand (C>A on the coding strand, the complement: PKD1 is on the minus strand). VCF-style: chr16-2112948-G-T. GRCh37 (hg19) VCF-style: chr16-2162949-G-T.
Other names: c.3001C>A, p.His1001Asn (NM_000296.4); short protein forms H1001N.
Identifiers: ClinVar variation 3067520 (VCV003067520.21), dbSNP rs764630631, ClinGen allele CA394385204.